The following is an entry in ClinVar:

ClinVar aggregate classification (germline): Pathogenic. Review status: criteria provided, multiple submitters, no conflicts (2 of 4 stars). 5 submissions from 5 submitters: Pathogenic (4). 1 of the submissions does not count toward it. Last evaluated 2025-10-01.

Conditions:
Inborn genetic diseases. Identifiers: MedGen C0950123, MeSH D030342.
Lamb-Shaffer syndrome. Identifiers: Orphanet 313884, Orphanet 313892, Orphanet 530983, MedGen C4225202, MONDO:0014778, OMIM 616803.
SOX5-related disorder. Also called: SOX5-related condition.

Submissions (5):

PreventionGenetics, part of Exact Sciences
Classification: Pathogenic for SOX5-related condition. Last evaluated: 2025-10-01. Review status: criteria provided, single submitter. Criteria: ACMG Guidelines, 2015. Collection method: clinical testing. Allele origin: germline.
Comment: The SOX5 c.1477C>T variant is predicted to result in premature protein termination (p.Arg493*). This variant has been reported, often as arising de novo, in multiple individuals with Lamb-Shaffer syndrome (Zawerton et al. 2020. PubMed ID: 31578471; Table S1, Kaplanis et al. 2020. PubMed ID: 33057194; Supplementary Data 3, Zhou et al. 2022. PubMed ID: 35982159; Edgerley et al. 2023. PubMed ID: 36861937). This variant is absent in a large population database (gnomAD), indicating this variant is rare. Nonsense variants in SOX5 are an established mechanism of disease. This variant is interpreted as pathogenic.

Center for Molecular Medicine, Children’s Hospital of Fudan University
Classification: Pathogenic for Lamb-Shaffer syndrome. Last evaluated: 2022-12-25. Review status: criteria provided, single submitter. Criteria: ACMG Guidelines, 2015. Collection method: clinical testing. Allele origin: de novo. Inheritance: Autosomal dominant inheritance. Affected: yes. Observed: 1 heterozygote.

GeneDx
Classification: Pathogenic. Last evaluated: 2022-08-26. Review status: criteria provided, single submitter. Criteria: GeneDx Variant Classification Process June 2021. Collection method: clinical testing. Allele origin: germline. Affected: yes.
Comment: Nonsense variant predicted to result in protein truncation or nonsense mediated decay in a gene for which loss-of-function is a known mechanism of disease; Not observed at significant frequency in large population cohorts (gnomAD); This variant is associated with the following publications: (PMID: 31578471)

Ambry Genetics
Classification: Pathogenic for Inborn genetic diseases. Last evaluated: 2018-03-20. Review status: criteria provided, single submitter. Criteria: Ambry exome assertion method (8-5-2015). Collection method: clinical testing. Allele origin: germline. Affected: yes. Observed: 1 variant allele.

Institute for Human Genetics, University Hospital Essen
Classification: Pathogenic for Lamb-Shaffer syndrome. Last evaluated: 2019-08-05. Review status: no assertion criteria provided. Collection method: clinical testing. Allele origin: de novo. Inheritance: Autosomal dominant inheritance. Affected: yes. Not counted in ClinVar's aggregate classification.

NM_006940.6(SOX5):c.1477C>T (p.Arg493Ter)

Gene: SOX5 (SRY-box transcription factor 5; minus strand). Cytogenetic location: 12p12.1.
Variant type: single nucleotide variant.
Coding change: c.1477C>T on transcript NM_006940.6 (MANE Select); coding-DNA position 1477, C replaced by T.
Protein change: p.Arg493Ter; replaces arginine 493 with a stop codon.
Molecular consequence: nonsense. On other transcripts: intron variant (1).
Genome position (GRCh38, 1-based): chr12:23,563,269, G>A on the plus strand (C>T on the coding strand, the complement: SOX5 is on the minus strand). VCF-style: chr12-23563269-G-A. GRCh37 (hg19) VCF-style: chr12-23716203-G-A.
Other names: c.1447C>T, p.Arg483Ter (NM_001261415.3); c.1372C>T, p.Arg458Ter (NM_001330785.2); c.1438C>T, p.Arg480Ter (NM_152989.5); c.319C>T, p.Arg107Ter (NM_178010.4); c.1126-16845C>T (NM_001261414.3); short protein forms R107*, R458*, R480*, R483*, R493*.
Identifiers: ClinVar variation 695081 (VCV000695081.10), dbSNP rs895607185, ClinGen allele CA234533694.